The following is an entry in ClinVar:

NM_001481.3(DRC4):c.796G>T (p.Glu266Ter)

Gene: DRC4 (dynein regulatory complex subunit 4; plus strand). Cytogenetic location: 16q24.3.
Variant type: single nucleotide variant.
Coding change: c.796G>T on transcript NM_001481.3 (MANE Select); coding-DNA position 796, G replaced by T.
Protein change: p.Glu266Ter; replaces glutamic acid 266 with a stop codon.
Molecular consequence: nonsense.
Genome position (GRCh38, 1-based): chr16:90,037,271, G>T. VCF-style: chr16-90037271-G-T. GRCh37 (hg19) VCF-style: chr16-90103679-G-T.
Other names: c.547G>T, p.Glu183Ter (NM_001286205.2); c.220G>T, p.Glu74Ter (NM_001286208.2); c.721G>T, p.Glu241Ter (NM_001286209.2); short protein forms E183*, E241*, E266*, E74*.
Identifiers: ClinVar variation 3610990 (VCV003610990.2).

ClinVar aggregate classification (germline): Pathogenic (1 of 4 stars; one submission).

Conditions:
Primary ciliary dyskinesia 33. Also called: CILIARY DYSKINESIA, PRIMARY, 33, WITHOUT SITUS INVERSUS. Identifiers: Orphanet 244, MedGen C4225230, MONDO:0014750, OMIM 616726.

gnomAD v4.1: 10 of 1,613,686 alleles (0.00062%); highest among the groups gnomAD compares: Non-Finnish European, 0.00085%; no homozygotes.

Submission:

Labcorp Genetics (formerly Invitae), Labcorp
Classification: Pathogenic for Primary ciliary dyskinesia 33. Last evaluated: 2024-06-02. Review status: criteria provided, single submitter. Criteria: Invitae Variant Classification Sherloc (09022015). Collection method: clinical testing. Allele origin: germline.
Comment: This sequence change creates a premature translational stop signal (p.Glu266*) in the GAS8 gene. It is expected to result in an absent or disrupted protein product. Loss-of-function variants in GAS8 are known to be pathogenic (PMID: 26387594). This variant is not present in population databases (gnomAD no frequency). This variant has not been reported in the literature in individuals affected with GAS8-related conditions. For these reasons, this variant has been classified as Pathogenic.

Literature cited by the submitters: PubMed 26387594.